The following is an entry in ClinVar:

ClinVar aggregate classification (germline): Uncertain significance. Review status: criteria provided, multiple submitters, no conflicts (2 of 4 stars). 3 submissions from 3 submitters: Uncertain significance (3). Last evaluated 2025-09-25.

Conditions:
Inborn genetic diseases. Identifiers: MedGen C0950123, MeSH D030342.

gnomAD v4.1: 13 of 1,612,172 alleles (0.00081%); highest among the groups gnomAD compares: Non-Finnish European, 0.0011%; no homozygotes.

Submissions (3):

Ambry Genetics
Classification: Uncertain significance for Inborn genetic diseases. Last evaluated: 2025-09-25. Review status: criteria provided, single submitter. Criteria: Ambry Variant Classification Scheme 2023. Collection method: clinical testing. Allele origin: germline.

Labcorp Genetics (formerly Invitae), Labcorp
Classification: Uncertain significance. Last evaluated: 2023-05-21. Review status: criteria provided, single submitter. Criteria: Invitae Variant Classification Sherloc (09022015). Collection method: clinical testing. Allele origin: germline.
Comment: In summary, the available evidence is currently insufficient to determine the role of this variant in disease. Therefore, it has been classified as a Variant of Uncertain Significance. Algorithms developed to predict the effect of missense changes on protein structure and function output the following: SIFT: "Not Available"; PolyPhen-2: "Benign"; Align-GVGD: "Not Available". The lysine amino acid residue is found in multiple mammalian species, which suggests that this missense change does not adversely affect protein function. ClinVar contains an entry for this variant (Variation ID: 1355942). This variant has not been reported in the literature in individuals affected with MYO18B-related conditions. This variant is present in population databases (rs202133740, gnomAD 0.002%). This sequence change replaces threonine, which is neutral and polar, with lysine, which is basic and polar, at codon 381 of the MYO18B protein (p.Thr381Lys).

Breakthrough Genomics
Classification: Uncertain significance. Review status: criteria provided, single submitter. Criteria: ACMG Guidelines, 2015. Collection method: not provided. Allele origin: germline. Inheritance: Autosomal dominant inheritance. Affected: yes.

NM_032608.7(MYO18B):c.1142C>A (p.Thr381Lys)

Gene: MYO18B (myosin XVIIIB; plus strand). Cytogenetic location: 22q12.1.
Variant type: single nucleotide variant.
Coding change: c.1142C>A on transcript NM_032608.7 (MANE Select); coding-DNA position 1142, C replaced by A.
Protein change: p.Thr381Lys; replaces threonine 381 with lysine.
Molecular consequence: missense variant.
Genome position (GRCh38, 1-based): chr22:25,769,058, C>A. VCF-style: chr22-25769058-C-A. GRCh37 (hg19) VCF-style: chr22-26165025-C-A.
Other names: c.1142C>A (NM_032608.5); c.1142C>A, p.Thr381Lys (NM_001318245.2); short protein forms T381K.
Identifiers: ClinVar variation 1355942 (VCV001355942.10), dbSNP rs202133740, ClinGen allele CA10159764.
Genomic context (GRCh38, chr22:25,769,058, plus strand): 5'-TGCAGGGCGAGTTGGGGGACGATCTGAGAATGGGGGAGAAAGCAGGTGAGCTTCGGAGCA[C>A]GACTGGGAAGGCAGGTGAGTCCTGGGATAAGAAGGAAAAGATGGGGCAACCCCAGGGTAA-3'
Protein context (NP_115997.5, residues 371-391): MGEKAGELRS[Thr381Lys]TGKAGESWDK